The following is an entry in ClinVar:

ClinVar aggregate classification (germline): Likely benign (1 of 4 stars; one submission).

Conditions:
EP300-related disorder. Also called: EP300-related condition; EP300-related disorders.

gnomAD v4.1: 1 of 1,614,060 alleles (0.000062%); highest among the groups gnomAD compares: Admixed American, 0.0017%; no homozygotes.

Submission:

PreventionGenetics, part of Exact Sciences
Classification: Likely benign for EP300-related condition. Last evaluated: 2026-02-20. Review status: criteria provided, single submitter. Criteria: ACMG Guidelines, 2015. Collection method: clinical testing. Allele origin: germline.
Comment: This variant is classified as likely benign based on ACMG/AMP sequence variant interpretation guidelines (Richards et al. 2015 PMID: 25741868, with internal and published modifications).

NM_001429.4(EP300):c.2998-3T>C

Genes: EP300 (EP300 lysine acetyltransferase; plus strand), LOC126863158 (BRD4-independent group 4 enhancer GRCh37_chr22:41547383-41548582; plus strand). Cytogenetic location: 22q13.2.
Variant type: single nucleotide variant.
Coding change: c.2998-3T>C on transcript NM_001429.4 (MANE Select); 3 bases into the intron before coding-DNA position 2998, T replaced by C.
Molecular consequence: intron variant.
Genome position (GRCh38, 1-based): chr22:41,152,203, T>C. VCF-style: chr22-41152203-T-C. GRCh37 (hg19) VCF-style: chr22-41548207-T-C.
Other names: c.2920-3T>C (NM_001362843.2).
Identifiers: ClinVar variation 4993963 (VCV004993963.1).
Genomic context (GRCh38, chr22:41,152,203, plus strand): 5'-TCAGATTACTGATTCCCAACTAGATATCTTTGGAATACTAAAAATTCTTACGTTTTCTTT[T>C]AGTCTAAAGTGGAAGACTGTAAAATGGAATCTACCGAAACAGAAGAGAGAAGCACTGAGT-3'